The following is an entry in ClinVar:

NM_015352.2(POFUT1):c.397C>T (p.Arg133Ter)

Gene: POFUT1 (protein O-fucosyltransferase 1; plus strand). Cytogenetic location: 20q11.21.
Variant type: single nucleotide variant.
Coding change: c.397C>T on transcript NM_015352.2 (MANE Select); coding-DNA position 397, C replaced by T.
Protein change: p.Arg133Ter; replaces arginine 133 with a stop codon.
Molecular consequence: nonsense.
Genome position (GRCh38, 1-based): chr20:32,215,419, C>T. VCF-style: chr20-32215419-C-T. GRCh37 (hg19) VCF-style: chr20-30803222-C-T.
Other names: c.397C>T, p.Arg133Ter (NM_172236.2); short protein forms R133*.
Identifiers: ClinVar variation 2636247 (VCV002636247.1), dbSNP rs369818845, ClinGen allele CA313880957.

ClinVar aggregate classification (germline): Pathogenic (1 of 4 stars; one submission).

Conditions:
POFUT1-related disorder. Also called: POFUT1-related condition.

Allele frequency attached by ClinVar (database versions not stated): gnomAD exomes below 0.00001; ESP Exome Variant Server 0.00008.
gnomAD v4.1: 3 of 1,613,496 alleles (0.00019%); highest among the groups gnomAD compares: South Asian, 0.0011%; no homozygotes.

Submission:

PreventionGenetics, part of Exact Sciences
Classification: Pathogenic for POFUT1-related condition. Last evaluated: 2022-08-31. Review status: criteria provided, single submitter. Criteria: ACMG Guidelines, 2015. Collection method: clinical testing. Allele origin: germline.
Comment: The POFUT1 c.397C>T variant is predicted to result in premature protein termination (p.Arg133*). This variant has been reported to segregate with disease in multiple unrelated kindreds with Dowling-Degos disease (Basmanav et al. 2015. PubMed ID: 25229252; Kono et al. 2015. PubMed ID: 25639155). This variant has not been reported in a large population database, indicating this variant is rare. Nonsense variants in POFUT1 are expected to be pathogenic. Given the evidence, we interpret c.397C>T (p.Arg133*) as pathogenic.